The following is an entry in ClinVar:

NM_006767.4(LZTR1):c.889dup (p.Tyr297fs)

Gene: LZTR1 (leucine zipper like post translational regulator 1; plus strand). Cytogenetic location: 22q11.21.
Variant type: Duplication.
Coding change: c.889dup on transcript NM_006767.4 (MANE Select); coding-DNA position 889, one base duplicated (T; older notation c.889dupT).
Protein change: p.Tyr297fs; shifts the reading frame from tyrosine 297.
Molecular consequence: frameshift variant.
Genome position (GRCh38, 1-based): chr22:20,991,725, T duplicated. VCF-style (leftmost placement, unchanged base first): chr22-20991724-C-CT. GRCh37 (hg19) VCF-style: chr22-21346013-C-CT.
Other names: short protein forms Y297fs.
Identifiers: ClinVar variation 4615580 (VCV004615580.1).

ClinVar aggregate classification (germline): Pathogenic (1 of 4 stars; one submission).

Conditions:
Cardiovascular phenotype. Identifiers: MedGen CN230736.
Hereditary cancer-predisposing syndrome. Also called: Neoplastic Syndromes, Hereditary; Tumor predisposition; Hereditary Cancer Syndrome; Hereditary neoplastic syndrome. Identifiers: Orphanet 140162, MedGen C0027672, MeSH D009386, MONDO:0015356.

Submission:

Ambry Genetics
Classification: Pathogenic for Cardiovascular phenotype; Hereditary cancer-predisposing syndrome. Last evaluated: 2025-11-20. Review status: criteria provided, single submitter. Criteria: Ambry Variant Classification Scheme 2023. Collection method: clinical testing. Allele origin: germline.
Comment: The c.889dupT pathogenic mutation, located in coding exon 9 of the LZTR1 gene, results from a duplication of T at nucleotide position 889, causing a translational frameshift with a predicted alternate stop codon (p.Y297Lfs*19). This alteration is expected to result in loss of function by premature protein truncation or nonsense-mediated mRNA decay. Loss-of-function variants in LZTR1 are related to an increased risk for schwannomas and autosomal recessive Noonan syndrome; however, such associations with autosomal dominant Noonan syndrome have not been observed (Piotrowski A et al. Nat Genet. 2014 Feb;46:182-7; Yamamoto GL et al. J Med Genet. 2015 Jun;52:413-21; Johnston JJ et al. Genet Med. 2018 10;20:1175-1185). Based on the supporting evidence, this variant is pathogenic for an increased risk of LZTR1-related schwannomatosis (SWN) and would be expected to cause autosomal recessive Noonan syndrome when present along with a second pathogenic or likely pathogenic variant on the other allele; however, the association of this alteration with autosomal dominant Noonan syndrome is unlikely.